The following is an entry in ClinVar:

NM_182641.4(BPTF):c.6794C>T (p.Pro2265Leu)

Gene: BPTF (bromodomain PHD finger transcription factor; plus strand). Cytogenetic location: 17q24.2.
Variant type: single nucleotide variant.
Coding change: c.6794C>T on transcript NM_182641.4 (MANE Select); coding-DNA position 6794, C replaced by T.
Protein change: p.Pro2265Leu; replaces proline 2265 with leucine.
Molecular consequence: missense variant.
Genome position (GRCh38, 1-based): chr17:67,945,502, C>T. VCF-style: chr17-67945502-C-T. GRCh37 (hg19) VCF-style: chr17-65941618-C-T.
Other names: c.7172C>T (NM_004459.6); c.7172C>T, p.Pro2391Leu (NM_004459.7); short protein forms P2391L, P2265L.
Identifiers: ClinVar variation 2834262 (VCV002834262.4), dbSNP rs2512523386, ClinGen allele CA400723394.

ClinVar aggregate classification (germline): Uncertain significance. Review status: criteria provided, multiple submitters, no conflicts (2 of 4 stars). 2 submissions from 2 submitters: Uncertain significance (2). Last evaluated 2023-08-04.

Submissions (2):

Labcorp Genetics (formerly Invitae), Labcorp
Classification: Uncertain significance. Last evaluated: 2023-08-04. Review status: criteria provided, single submitter. Criteria: Invitae Variant Classification Sherloc (09022015). Collection method: clinical testing. Allele origin: germline.
Comment: This sequence change replaces proline, which is neutral and non-polar, with leucine, which is neutral and non-polar, at codon 2391 of the BPTF protein (p.Pro2391Leu). This variant is not present in population databases (gnomAD no frequency). This variant has not been reported in the literature in individuals affected with BPTF-related conditions. An algorithm developed to predict the effect of missense changes on protein structure and function (PolyPhen-2) suggests that this variant is likely to be tolerated. In summary, the available evidence is currently insufficient to determine the role of this variant in disease. Therefore, it has been classified as a Variant of Uncertain Significance.

GeneDx
Classification: Uncertain significance. Last evaluated: 2023-06-23. Review status: criteria provided, single submitter. Criteria: GeneDx Variant Classification Process June 2021. Collection method: clinical testing. Allele origin: germline. Affected: yes.
Comment: Has not been previously published as pathogenic or benign to our knowledge; Not observed at significant frequency in large population cohorts (gnomAD); In silico analysis supports that this missense variant has a deleterious effect on protein structure/function